The following is an entry in ClinVar:

NM_004438.5(EPHA4):c.2879C>T (p.Thr960Met)

Genes: EPHA4 (EPH receptor A4; minus strand), LOC126806527 (BRD4-independent group 4 enhancer GRCh37_chr2:222289669-222290868; plus strand). Cytogenetic location: 2q36.1.
Variant type: single nucleotide variant.
Coding change: c.2879C>T on transcript NM_004438.5 (MANE Select); coding-DNA position 2879, C replaced by T.
Protein change: p.Thr960Met; replaces threonine 960 with methionine.
Molecular consequence: missense variant. On other transcripts: 3 prime UTR variant (1).
Genome position (GRCh38, 1-based): chr2:221,426,110, G>A on the plus strand (C>T on the coding strand, the complement: EPHA4 is on the minus strand). VCF-style: chr2-221426110-G-A. GRCh37 (hg19) VCF-style: chr2-222290830-G-A.
Other names: c.2879C>T, p.Thr960Met (NM_001304536.2); c.2726C>T, p.Thr909Met (NM_001304537.2); c.*58C>T (NM_001363748.2); short protein forms T909M, T960M.
Identifiers: ClinVar variation 3623736 (VCV003623736.2).

ClinVar aggregate classification (germline): Uncertain significance (1 of 4 stars; one submission).

gnomAD v4.1: 42 of 1,613,944 alleles (0.0026%); highest among the groups gnomAD compares: East Asian, 0.0067%; no homozygotes.

Submission:

Labcorp Genetics (formerly Invitae), Labcorp
Classification: Uncertain significance. Last evaluated: 2024-06-24. Review status: criteria provided, single submitter. Criteria: Invitae Variant Classification Sherloc (09022015). Collection method: clinical testing. Allele origin: germline.
Comment: This sequence change replaces threonine, which is neutral and polar, with methionine, which is neutral and non-polar, at codon 960 of the EPHA4 protein (p.Thr960Met). This variant is present in population databases (rs748264251, gnomAD 0.05%). This variant has not been reported in the literature in individuals affected with EPHA4-related conditions. An algorithm developed to predict the effect of missense changes on protein structure and function (PolyPhen-2) suggests that this variant is likely to be tolerated. In summary, the available evidence is currently insufficient to determine the role of this variant in disease. Therefore, it has been classified as a Variant of Uncertain Significance.